The following is an entry in ClinVar:

ClinVar aggregate classification (germline): Uncertain significance (1 of 4 stars; one submission).

gnomAD v4.1: 6 of 1,613,960 alleles (0.00037%); highest among the groups gnomAD compares: Middle Eastern, 0.017%; no homozygotes.

Submission:

GeneDx
Classification: Uncertain significance. Last evaluated: 2024-05-13. Review status: criteria provided, single submitter. Criteria: GeneDx Variant Classification Process June 2021. Collection method: clinical testing. Allele origin: germline. Affected: yes.
Comment: Not observed at significant frequency in large population cohorts (gnomAD); In silico analysis supports that this missense variant has a deleterious effect on protein structure/function; Has not been previously published as pathogenic or benign to our knowledge

NM_020314.7(VPS35L):c.2519T>C (p.Ile840Thr)

Gene: VPS35L (VPS35 endosomal protein sorting factor like; plus strand). Cytogenetic location: 16p12.3.
Variant type: single nucleotide variant.
Coding change: c.2519T>C on transcript NM_020314.7 (MANE Select); coding-DNA position 2519, T replaced by C.
Protein change: p.Ile840Thr; replaces isoleucine 840 with threonine.
Molecular consequence: missense variant. On other transcripts: non-coding transcript variant (2).
Genome position (GRCh38, 1-based): chr16:19,682,382, T>C. VCF-style: chr16-19682382-T-C. GRCh37 (hg19) VCF-style: chr16-19693704-T-C.
Other names: c.2240T>C, p.Ile747Thr (NM_001300743.3); c.2441T>C, p.Ile814Thr (NM_001365293.2); c.2318T>C, p.Ile773Thr (NM_001365294.2); c.1631T>C, p.Ile544Thr (NM_001365295.2); short protein forms I544T, I747T, I773T, I814T, I840T.
Identifiers: ClinVar variation 3378268 (VCV003378268.1).